The following is an entry in ClinVar:

ClinVar aggregate classification (germline): Uncertain significance (1 of 4 stars; one submission).

Submission:

GeneDx
Classification: Uncertain significance. Last evaluated: 2025-05-29. Review status: criteria provided, single submitter. Criteria: GeneDx Variant Classification Process June 2021. Collection method: clinical testing. Allele origin: germline. Affected: yes.
Comment: Not observed at significant frequency in large population cohorts (gnomAD); In silico analysis suggests that this missense variant does not alter protein structure/function; Has not been previously published as pathogenic or benign to our knowledge

NM_005921.2(MAP3K1):c.1438A>G (p.Arg480Gly)

Gene: MAP3K1 (mitogen-activated protein kinase kinase kinase 1; plus strand). Cytogenetic location: 5q11.2.
Variant type: single nucleotide variant.
Coding change: c.1438A>G on transcript NM_005921.2 (MANE Select); coding-DNA position 1438, A replaced by G.
Protein change: p.Arg480Gly; replaces arginine 480 with glycine.
Molecular consequence: missense variant.
Genome position (GRCh38, 1-based): chr5:56,872,655, A>G. VCF-style: chr5-56872655-A-G. GRCh37 (hg19) VCF-style: chr5-56168482-A-G.
Other names: short protein forms R480G.
Identifiers: ClinVar variation 4532430 (VCV004532430.1).
Genomic context (GRCh38, chr5:56,872,655, plus strand): 5'-TTAAACATTTACATTTTTGTAAGATTTTGTTTCTGTAATTTTTCAGGGGCAGAAGAGTGT[A>G]GAAGAAATAGAGAACCTTTAATATGTCCCCTTTGTAGATCTAAGTGGAGATCTCATGATT-3'
Protein context (NP_005912.1, residues 470-490): HCMSIWAEEC[Arg480Gly]RNREPLICPL